The following is an entry in ClinVar:

ClinVar aggregate classification (germline): Conflicting classifications of pathogenicity. Review status: criteria provided, conflicting classifications (1 of 4 stars). 3 submissions from 3 submitters: Likely pathogenic (1); Uncertain significance (2). Last evaluated 2022-08-23.

Conditions:
EYS-related disorder. Also called: EYS-related condition.
Retinitis pigmentosa (RP). Identifiers: Orphanet 791, MedGen C0035334, MeSH D012174, MONDO:0019200, OMIM 268000. Inheritance: Autosomal dominant, autosomal recessive and X linked inheritance.

Allele frequency attached by ClinVar (database versions not stated): gnomAD exomes below 0.00001 and 0.00001; gnomAD 0.00001 and 0.00002; TOPMed 0.00002; ExAC 0.00004; 1000 Genomes Project 30x 0.00016; 1000 Genomes Project 0.00020.
gnomAD v4.1: 5 of 1,551,760 alleles (0.00032%); highest among the groups gnomAD compares: Middle Eastern, 0.017%; no homozygotes.

Submissions (3):

Labcorp Genetics (formerly Invitae), Labcorp
Classification: Uncertain significance. Last evaluated: 2022-08-23. Review status: criteria provided, single submitter. Criteria: Invitae Variant Classification Sherloc (09022015). Collection method: clinical testing. Allele origin: germline.
Comment: This sequence change replaces isoleucine, which is neutral and non-polar, with threonine, which is neutral and polar, at codon 2823 of the EYS protein (p.Ile2823Thr). This variant is present in population databases (rs149686954, gnomAD no frequency). This variant has not been reported in the literature in individuals affected with EYS-related conditions. ClinVar contains an entry for this variant (Variation ID: 1297157). Algorithms developed to predict the effect of missense changes on protein structure and function are either unavailable or do not agree on the potential impact of this missense change (SIFT: "Deleterious"; PolyPhen-2: "Benign"; Align-GVGD: "Class C0"). In summary, the available evidence is currently insufficient to determine the role of this variant in disease. Therefore, it has been classified as a Variant of Uncertain Significance.

Broad Center for Mendelian Genomics, Broad Institute of MIT and Harvard
Classification: Uncertain significance for Retinitis pigmentosa. Last evaluated: 2021-04-01. Review status: criteria provided, single submitter. Criteria: ACMG Guidelines, 2015. Collection method: curation. Allele origin: germline. Inheritance: Autosomal recessive inheritance. Affected: yes.
Comment: Through a review of available evidence we were able to apply the following criteria: PM2. Based on this evidence we have classified this variant as a Variant of Uncertain Significance. If you have any questions about the classification please reach out to the Pierce Lab.

Blueprint Genetics
Classification: Likely pathogenic for EYS-related disorders. Last evaluated: 2020-01-31. Review status: criteria provided, single submitter. Criteria: ACMG Guidelines, 2015. Collection method: clinical testing. Allele origin: germline. Affected: yes. Observed: 4 variant alleles.

Literature cited by the submitters: PubMed 34906470 (cited by Broad Center for Mendelian Genomics, Broad Institute of MIT and Harvard).

NM_001142800.2(EYS):c.8468T>C (p.Ile2823Thr)

Genes: EYS (EGF-like photoreceptor maintenance factor; minus strand), PHF3 (PHD finger protein 3; plus strand). Cytogenetic location: 6q12.
Variant type: single nucleotide variant.
Coding change: c.8468T>C on transcript NM_001142800.2 (MANE Select); coding-DNA position 8468, T replaced by C.
Protein change: p.Ile2823Thr; replaces isoleucine 2823 with threonine.
Molecular consequence: missense variant. On other transcripts: 3 prime UTR variant (5).
Genome position (GRCh38, 1-based): chr6:63,721,563, A>G on the plus strand (T>C on the coding strand, the complement: EYS is on the minus strand). VCF-style: chr6-63721563-A-G. GRCh37 (hg19) VCF-style: chr6-64431459-A-G.
Other names: c.*7855A>G (NM_001290259.2, NM_001370348.2, NM_001370349.2 and 2 more transcripts); c.8531T>C, p.Ile2844Thr (NM_001292009.2); short protein forms I2823T, I2844T.
Identifiers: ClinVar variation 1297157 (VCV001297157.6), dbSNP rs149686954, ClinGen allele CA3876707.